The following is an entry in ClinVar:

ClinVar aggregate classification (germline): Benign. Review status: criteria provided, multiple submitters, no conflicts (2 of 4 stars). 2 submissions from 2 submitters: Benign (2). Last evaluated 2024-07-15.

Allele frequency attached by ClinVar (database versions not stated): 1000 Genomes Project 30x 0.52124; 1000 Genomes Project 0.52256; TOPMed 0.59345; gnomAD 0.60411 and 0.60710; gnomAD exomes 0.60765 and 0.66331; ExAC 0.61729; ESP Exome Variant Server 0.63355.
gnomAD v4.1: 1,030,465 of 1,568,442 alleles (66%); highest among the groups gnomAD compares: Middle Eastern, 70%; 344,411 homozygotes.

Submissions (2):

Unidad de Genómica Garrahan, Hospital de Pediatría Garrahan
Classification: Benign. Last evaluated: 2024-07-15. Review status: criteria provided, single submitter. Criteria: ACMG Guidelines, 2015. Collection method: clinical testing. Allele origin: germline. Affected: no. Observed: 68 variant alleles.
Comment: This variant is classified as Benign based on local population frequency. This variant was detected in 73% of patients studied in a panel designed for Epileptic and Developmental Encephalopathy and Progressive Myoclonus Epilepsy. Number of patients: 68. Only high quality variants are reported.

GeneDx
Classification: Benign. Last evaluated: 2018-11-10. Review status: criteria provided, single submitter. Criteria: GeneDx Variant Classification Process June 2021. Collection method: clinical testing. Allele origin: germline. Affected: yes.

NM_012120.3(CD2AP):c.1814+24G>A

Gene: CD2AP (CD2 associated protein; plus strand). Cytogenetic location: 6p12.3.
Variant type: single nucleotide variant.
Coding change: c.1814+24G>A on transcript NM_012120.3 (MANE Select); 24 bases into the intron after coding-DNA position 1814, G replaced by A.
Molecular consequence: intron variant.
Genome position (GRCh38, 1-based): chr6:47,609,328, G>A. VCF-style: chr6-47609328-G-A. GRCh37 (hg19) VCF-style: chr6-47577064-G-A.
Identifiers: ClinVar variation 1255010 (VCV001255010.4), dbSNP rs9395287, ClinGen allele CA3844465.